The following is an entry in ClinVar:

NM_007118.4(TRIO):c.5004C>T (p.Thr1668=)

Gene: TRIO (trio Rho guanine nucleotide exchange factor; plus strand). Cytogenetic location: 5p15.2.
Variant type: single nucleotide variant.
Coding change: c.5004C>T on transcript NM_007118.4 (MANE Select); coding-DNA position 5004, C replaced by T.
Protein change: p.Thr1668=; no amino-acid change (threonine 1668 retained).
Molecular consequence: synonymous variant. On other transcripts: non-coding transcript variant (1).
Genome position (GRCh38, 1-based): chr5:14,419,822, C>T. VCF-style: chr5-14419822-C-T. GRCh37 (hg19) VCF-style: chr5-14419931-C-T.
Identifiers: ClinVar variation 717722 (VCV000717722.10), dbSNP rs149477759, ClinGen allele CA3206644.

ClinVar aggregate classification (germline): Benign/Likely benign. Review status: criteria provided, multiple submitters, no conflicts (2 of 4 stars). 4 submissions from 4 submitters: Benign (1); Likely benign (3). Last evaluated 2026-05-01.

Allele frequency attached by ClinVar (database versions not stated): gnomAD exomes 0.00047 and 0.00079; ExAC 0.00050; gnomAD 0.00054 and 0.00056; TOPMed 0.00056; 1000 Genomes Project 0.00060; 1000 Genomes Project 30x 0.00062; ESP Exome Variant Server 0.00062.
gnomAD v4.1: 1,219 of 1,614,180 alleles (0.076%); highest among the groups gnomAD compares: Non-Finnish European, 0.098%; no homozygotes.

Submissions (4):

CeGaT Center for Human Genetics Tuebingen
Classification: Likely benign. Last evaluated: 2026-05-01. Review status: criteria provided, single submitter. Criteria: CeGaT Center For Human Genetics Tuebingen Variant Classification Criteria Version 2. Collection method: clinical testing. Allele origin: germline. Affected: yes. Observed: 2 variant alleles.
Comment: TRIO: BP4, BP7

Blueprint Genetics
Classification: Likely benign. Last evaluated: 2024-09-12. Review status: criteria provided, single submitter. Criteria: ACMG Guidelines, 2015. Collection method: clinical testing. Allele origin: germline.

Labcorp Genetics (formerly Invitae), Labcorp
Classification: Likely benign. Last evaluated: 2019-12-31. Review status: criteria provided, single submitter. Criteria: Invitae Variant Classification Sherloc (09022015). Collection method: clinical testing. Allele origin: germline.

GeneDx
Classification: Benign. Last evaluated: 2019-05-31. Review status: criteria provided, single submitter. Criteria: GeneDx Variant Classification Process June 2021. Collection method: clinical testing. Allele origin: germline. Affected: yes.